The following is an entry in ClinVar:

NM_021258.4(IL22RA1):c.44-105G>A

Gene: IL22RA1 (interleukin 22 receptor subunit alpha 1; minus strand). Cytogenetic location: 1p36.11.
Variant type: single nucleotide variant.
Coding change: c.44-105G>A on transcript NM_021258.4 (MANE Select); 105 bases into the intron before coding-DNA position 44, G replaced by A.
Molecular consequence: intron variant.
Genome position (GRCh38, 1-based): chr1:24,138,819, C>T on the plus strand (G>A on the coding strand, the complement: IL22RA1 is on the minus strand). VCF-style: chr1-24138819-C-T. GRCh37 (hg19) VCF-style: chr1-24465309-C-T.
Identifiers: ClinVar variation 2688372 (VCV002688372.2), dbSNP rs10794642, ClinGen allele CA10864102.
Genomic context (GRCh38, chr1:24,138,819, plus strand): 5'-CACCCTGCCCATGTATGGGCTCAGTCAGAGTCCTGCCCCATATAAATTTCATGCAAAGTG[C>T]CTTTGCTTTCAAGATGCCAGCCTGGTGGGTGGGCAGGGAGACCCTGGCCCCCAGCCTTCT-3'

ClinVar aggregate classification (germline): Benign (1 of 4 stars; one submission).

Allele frequency attached by ClinVar (database versions not stated): gnomAD 0.36930; TOPMed 0.37481; 1000 Genomes Project 30x 0.46112; 1000 Genomes Project 0.47125.
gnomAD v4.1: 544,258 of 1,373,306 alleles (40%); highest among the groups gnomAD compares: East Asian, 74%; 113,101 homozygotes.

Submission:

Unidad de Genómica Garrahan, Hospital de Pediatría Garrahan
Classification: Benign. Last evaluated: 2024-01-24. Review status: criteria provided, single submitter. Criteria: ACMG Guidelines, 2015. Collection method: clinical testing. Allele origin: germline. Affected: no. Observed: 64 variant alleles.
Comment: This variant is classified as Benign based on local population frequency. This variant was detected in 73% of patients studied by a panel of primary immunodeficiencies. Number of patients: 64. Only high quality variants are reported.